The following is an entry in ClinVar:

NM_001458.5(FLNC):c.2476_2478del (p.Asn826del)

Gene: FLNC (filamin C; plus strand). Cytogenetic location: 7q32.1.
Variant type: Deletion.
Coding change: c.2476_2478del on transcript NM_001458.5 (MANE Select); coding-DNA positions 2476 to 2478, 3 bases deleted (AAC; older notation c.2476_2478delAAC).
Protein change: p.Asn826del; deletes asparagine 826.
Molecular consequence: inframe deletion.
Genome position (GRCh38, 1-based): chr7:128,842,880-128,842,882, AAC deleted; deleting any 3 consecutive bases within chr7:128,842,878-128,842,882 gives the same sequence; the c. name uses the placement nearest the transcript's 3' end. VCF-style (leftmost placement, unchanged base first): chr7-128842877-GACA-G. GRCh37 (hg19) VCF-style: chr7-128482931-GACA-G.
Other names: c.2476_2478del, p.Asn826del (NM_001127487.2); c.2476_2478delAAC (NM_001458.4); short protein forms N826del.
Identifiers: ClinVar variation 1360152 (VCV001360152.9), dbSNP rs1188205440, ClinGen allele CA578150427.

ClinVar aggregate classification (germline): Uncertain significance. Review status: criteria provided, multiple submitters, no conflicts (2 of 4 stars). 2 submissions from 2 submitters: Uncertain significance (2). Last evaluated 2025-12-17.

Conditions:
Distal myopathy with posterior leg and anterior hand involvement. Also called: WILLIAMS DISTAL MYOPATHY. Identifiers: Orphanet 63273, MedGen C3279722, MONDO:0013550, OMIM 614065.
Myofibrillar myopathy 5. Also called: Filaminopathy (type); FILAMINOPATHY, AUTOSOMAL DOMINANT. Identifiers: Orphanet 171445, MedGen C1836050, MONDO:0012289, OMIM 609524.
Hypertrophic cardiomyopathy 26. Also called: Cardiomyopathy, familial hypertrophic, 26. Identifiers: Orphanet 75249, MedGen C4310749, MONDO:0014883, OMIM 617047.
Cardiovascular phenotype. Identifiers: MedGen CN230736.

Submissions (2):

Labcorp Genetics (formerly Invitae), Labcorp
Classification: Uncertain significance for Distal myopathy with posterior leg and anterior hand involvement; Myofibrillar myopathy 5; Hypertrophic cardiomyopathy 26. Last evaluated: 2025-12-17. Review status: criteria provided, single submitter. Criteria: Invitae Variant Classification Sherloc (09022015). Collection method: clinical testing. Allele origin: germline.
Comment: This variant, c.2476_2478del, results in the deletion of 1 amino acid(s) of the FLNC protein (p.Asn826del), but otherwise preserves the integrity of the reading frame. This variant is present in population databases (no rsID available, gnomAD 0.01%). This variant has not been reported in the literature in individuals affected with FLNC-related conditions. ClinVar contains an entry for this variant (Variation ID: 1360152). Experimental studies and prediction algorithms are not available or were not evaluated, and the functional significance of this variant is currently unknown. In summary, the available evidence is currently insufficient to determine the role of this variant in disease. Therefore, it has been classified as a Variant of Uncertain Significance.

Ambry Genetics
Classification: Uncertain significance for Cardiovascular phenotype. Last evaluated: 2025-11-10. Review status: criteria provided, single submitter. Criteria: Ambry Variant Classification Scheme 2023. Collection method: clinical testing. Allele origin: germline.
Comment: The c.2476_2478delAAC variant (also known as p.N826del) is located in coding exon 16 of the FLNC gene. This variant results from an in-frame AAC deletion at nucleotide positions 2476 to 2478. This results in the in-frame deletion of an asparagine at codon 826. This amino acid position is highly conserved in available vertebrate species. In addition, this variant is predicted to be deleterious by in silico analysis (Choi Y et al. PLoS ONE. 2012; 7(10):e46688). Based on the available evidence, the clinical significance of this variant remains unclear.